The following is an entry in ClinVar:

ClinVar aggregate classification (germline): Likely benign (1 of 4 stars; one submission).

Submission:

GeneDx
Classification: Likely benign. Last evaluated: 2018-02-20. Review status: criteria provided, single submitter. Criteria: GeneDx Variant Classification (06012015). Collection method: clinical testing. Allele origin: germline. Affected: yes.
Comment: This variant is considered likely benign or benign based on one or more of the following criteria: it is a conservative change, it occurs at a poorly conserved position in the protein, it is predicted to be benign by multiple in silico algorithms, and/or has population frequency not consistent with disease.

NM_017617.5(NOTCH1):c.2741-13C>G

Gene: NOTCH1 (notch receptor 1; minus strand). Cytogenetic location: 9q34.3.
Variant type: single nucleotide variant.
Coding change: c.2741-13C>G on transcript NM_017617.5 (MANE Select); 13 bases into the intron before coding-DNA position 2741, C replaced by G.
Molecular consequence: intron variant.
Genome position (GRCh38, 1-based): chr9:136,509,974, G>C on the plus strand (C>G on the coding strand, the complement: NOTCH1 is on the minus strand). VCF-style: chr9-136509974-G-C. GRCh37 (hg19) VCF-style: chr9-139404426-G-C.
Other names: c.2741-13C>G (LRG_1122t1).
Identifiers: ClinVar variation 515651 (VCV000515651.1), dbSNP rs545249713, ClinGen allele CA658797386.
Genomic context (GRCh38, chr9:136,509,974, plus strand): 5'-AGGCCGTGTTGATGCCGTCTGTGCAGGAGCCCCCGTTGTGACACGGGTCTGGGAGAGGAC[G>C]GAAGGGTGAGTGTGAGGGGCAGGCACAAACCCACACCTGCGGGAGGGGGCCGGGAAGGCT-3'